The following is an entry in ClinVar:

NM_003041.4(SLC5A2):c.1773G>T (p.Glu591Asp)

Genes: RUSF1 (RUS family member 1; minus strand), SLC5A2 (solute carrier family 5 member 2; plus strand). Cytogenetic location: 16p11.2.
Variant type: single nucleotide variant.
Coding change: c.1773G>T on transcript NM_003041.4 (MANE Select); coding-DNA position 1773, G replaced by T.
Protein change: p.Glu591Asp; replaces glutamic acid 591 with aspartic acid.
Molecular consequence: missense variant. On other transcripts: 3 prime UTR variant (1), non-coding transcript variant (1).
Genome position (GRCh38, 1-based): chr16:31,490,211, G>T. VCF-style: chr16-31490211-G-T. GRCh37 (hg19) VCF-style: chr16-31501532-G-T.
Other names: c.*624C>A (NM_022744.4); short protein forms E591D.
Identifiers: ClinVar variation 319073 (VCV000319073.8), dbSNP rs149525864, ClinGen allele CA8031316.

ClinVar aggregate classification (germline): Conflicting classifications of pathogenicity. Review status: criteria provided, conflicting classifications (1 of 4 stars). 4 submissions from 4 submitters: Uncertain significance (1); Likely benign (3). Last evaluated 2025-02-16.

Conditions:
Familial renal glucosuria (GLYS). Also called: RENAL GLUCOSURIA, AUTOSOMAL DOMINANT; Familial renal glycosuria. Identifiers: Orphanet 69076, MedGen C3245525, MONDO:0009297, OMIM 233100.
SLC5A2-related disorder. Also called: SLC5A2-related condition.

Allele frequency attached by ClinVar (database versions not stated): ESP Exome Variant Server 0.00069; TOPMed 0.00094; gnomAD exomes 0.00123; gnomAD 0.00147 and 0.00156.
gnomAD v4.1: 1,999 of 1,614,194 alleles (0.12%); highest among the groups gnomAD compares: Non-Finnish European, 0.15%; 7 homozygotes.

Submissions (4):

Laboratory of Genetics, Children's Clinical University Hospital Latvia
Classification: Likely benign. Last evaluated: 2025-02-16. Review status: criteria provided, single submitter. Criteria: ACMG Guidelines, 2015. Collection method: clinical testing. Allele origin: germline. Affected: yes.

Blueprint Genetics
Classification: Likely benign. Last evaluated: 2024-11-08. Review status: criteria provided, single submitter. Criteria: ACMG Guidelines, 2015. Collection method: clinical testing. Allele origin: germline.

PreventionGenetics, part of Exact Sciences
Classification: Likely benign for SLC5A2-related condition. Last evaluated: 2024-10-18. Review status: criteria provided, single submitter. Criteria: ACMG Guidelines, 2015. Collection method: clinical testing. Allele origin: germline.
Comment: This variant is classified as likely benign based on ACMG/AMP sequence variant interpretation guidelines (Richards et al. 2015 PMID: 25741868, with internal and published modifications).

Illumina Laboratory Services, Illumina
Classification: Uncertain significance for Familial renal glucosuria. Last evaluated: 2018-01-13. Review status: criteria provided, single submitter. Criteria: ICSL Variant Classification Criteria 13 December 2019. Collection method: clinical testing. Allele origin: germline.